The following is an entry in ClinVar:

NM_207361.6(FREM2):c.595G>T (p.Ala199Ser)

Gene: FREM2 (FRAS1 related extracellular matrix 2; plus strand). Cytogenetic location: 13q13.3.
Variant type: single nucleotide variant.
Coding change: c.595G>T on transcript NM_207361.6 (MANE Select); coding-DNA position 595, G replaced by T.
Protein change: p.Ala199Ser; replaces alanine 199 with serine.
Molecular consequence: missense variant.
Genome position (GRCh38, 1-based): chr13:38,687,939, G>T. VCF-style: chr13-38687939-G-T. GRCh37 (hg19) VCF-style: chr13-39262076-G-T.
Other names: short protein forms A199S.
Identifiers: ClinVar variation 703000 (VCV000703000.18), dbSNP rs151296346, ClinGen allele CA6954240.

ClinVar aggregate classification (germline): Conflicting classifications of pathogenicity. Review status: criteria provided, conflicting classifications (1 of 4 stars). 4 submissions from 4 submitters: Uncertain significance (1); Likely benign (2). 1 of the submissions does not count toward it. Last evaluated 2026-01-31.

Conditions:
Fraser syndrome 2 (FRASRS2). Identifiers: MedGen C4540036, MONDO:0054738, OMIM 617666.
FREM2-related disorder. Also called: FREM2-related condition.

Allele frequency attached by ClinVar (database versions not stated): gnomAD exomes 0.00013 and 0.00032; ExAC 0.00048; ESP Exome Variant Server 0.00085; gnomAD 0.00124 and 0.00134; TOPMed 0.00137; 1000 Genomes Project 0.00140; 1000 Genomes Project 30x 0.00141.

Submissions (4):

Labcorp Genetics (formerly Invitae), Labcorp
Classification: Likely benign. Last evaluated: 2026-01-31. Review status: criteria provided, single submitter. Criteria: Invitae Variant Classification Sherloc (09022015). Collection method: clinical testing. Allele origin: germline.

GeneDx
Classification: Uncertain significance. Last evaluated: 2023-12-11. Review status: criteria provided, single submitter. Criteria: GeneDx Variant Classification Process June 2021. Collection method: clinical testing. Allele origin: germline. Affected: yes.
Comment: In silico analysis supports that this missense variant does not alter protein structure/function; Identified in the presence of a second FREM2 variant in an individual with focal and segmental glomerulosclerosis (PMID: 31308072); This variant is associated with the following publications: (PMID: 31308072)

Illumina Laboratory Services, Illumina
Classification: Likely benign for Fraser syndrome 2. Last evaluated: 2018-01-13. Review status: criteria provided, single submitter. Criteria: ICSL Variant Classification Criteria 13 December 2019. Collection method: clinical testing. Allele origin: germline.
Comment: This variant was observed in the ICSL laboratory as part of a predisposition screen in an ostensibly healthy population. It had not been previously curated by ICSL or reported in the Human Gene Mutation Database (HGMD: prior to June 1st, 2018), and was therefore a candidate for classification through an automated scoring system. Utilizing variant allele frequency, disease prevalence and penetrance estimates, and inheritance mode, an automated score was calculated to assess if this variant is too frequent to cause the disease. Based on the score and internal cut-off values, a variant classified as likely benign is not then subjected to further curation. The score for this variant resulted in a classification of likely benign for this disease.

PreventionGenetics, part of Exact Sciences
Classification: Likely benign for FREM2-related condition. Last evaluated: 2023-05-31. Review status: no assertion criteria provided. Collection method: clinical testing. Allele origin: germline. Not counted in ClinVar's aggregate classification.
Comment: This variant is classified as likely benign based on ACMG/AMP sequence variant interpretation guidelines (Richards et al. 2015 PMID: 25741868, with internal and published modifications).